The following is an entry in ClinVar:

NM_022051.3(EGLN1):c.634G>A (p.Asp212Asn)

Gene: EGLN1 (egl-9 family hypoxia inducible factor 1; minus strand). Cytogenetic location: 1q42.2.
Variant type: single nucleotide variant.
Coding change: c.634G>A on transcript NM_022051.3 (MANE Select); coding-DNA position 634, G replaced by A.
Protein change: p.Asp212Asn; replaces aspartic acid 212 with asparagine.
Molecular consequence: missense variant.
Genome position (GRCh38, 1-based): chr1:231,421,255, C>T on the plus strand (G>A on the coding strand, the complement: EGLN1 is on the minus strand). VCF-style: chr1-231421255-C-T. GRCh37 (hg19) VCF-style: chr1-231557001-C-T.
Other names: c.634G>A, p.Asp212Asn (NM_001377260.1, NM_001377261.1); short protein forms D212N.
Identifiers: ClinVar variation 951080 (VCV000951080.9), dbSNP rs376247953, ClinGen allele CA1453128.

ClinVar aggregate classification (germline): Conflicting classifications of pathogenicity. Review status: criteria provided, conflicting classifications (1 of 4 stars). 2 submissions from 2 submitters: Uncertain significance (1); Likely benign (1). Last evaluated 2024-12-22.

Conditions:
Erythrocytosis, familial, 3 (ECYT3). Identifiers: Orphanet 247511, MedGen C1853286, MONDO:0012353, OMIM 609820.

Allele frequency attached by ClinVar (database versions not stated): TOPMed below 0.00001; gnomAD 0.00001; ExAC 0.00002; ESP Exome Variant Server 0.00008.
gnomAD v4.1: 9 of 1,613,806 alleles (0.00056%); highest among the groups gnomAD compares: East Asian, 0.0067%; no homozygotes.

Submissions (2):

Labcorp Genetics (formerly Invitae), Labcorp
Classification: Uncertain significance for Erythrocytosis, familial, 3. Last evaluated: 2024-12-22. Review status: criteria provided, single submitter. Criteria: Invitae Variant Classification Sherloc (09022015). Collection method: clinical testing. Allele origin: germline.
Comment: This sequence change replaces aspartic acid, which is acidic and polar, with asparagine, which is neutral and polar, at codon 212 of the EGLN1 protein (p.Asp212Asn). This variant is present in population databases (rs376247953, gnomAD 0.006%). This variant has not been reported in the literature in individuals affected with EGLN1-related conditions. ClinVar contains an entry for this variant (Variation ID: 951080). An algorithm developed to predict the effect of missense changes on protein structure and function (PolyPhen-2) suggests that this variant is likely to be tolerated. In summary, the available evidence is currently insufficient to determine the role of this variant in disease. Therefore, it has been classified as a Variant of Uncertain Significance.

Ambry Genetics
Classification: Likely benign. Last evaluated: 2024-01-05. Review status: criteria provided, single submitter. Criteria: Ambry Variant Classification Scheme 2023. Collection method: clinical testing. Allele origin: germline.